The following is an entry in ClinVar:

NM_201269.3(ZNF644):c.3494del (p.Lys1165fs)

Gene: ZNF644 (zinc finger protein 644; minus strand). Cytogenetic location: 1p22.2.
Variant type: Deletion.
Coding change: c.3494del on transcript NM_201269.3 (MANE Select); coding-DNA position 3494, one base deleted (A; older notation c.3494delA).
Protein change: p.Lys1165fs; shifts the reading frame from lysine 1165.
Molecular consequence: frameshift variant. On other transcripts: intron variant (2).
Genome position (GRCh38, 1-based): chr1:90,937,679, T deleted on the plus strand (A on the coding strand, the reverse complement: ZNF644 is on the minus strand); the first of 5 consecutive T bases (chr1:90,937,679-90,937,683); deleting any one gives the same sequence. VCF-style (leftmost placement, unchanged base first): chr1-90937678-CT-C. GRCh37 (hg19) VCF-style: chr1-91403235-CT-C.
Other names: c.23-19525del (NM_032186.5, NM_016620.4); short protein forms K1165fs.
Identifiers: ClinVar variation 1031815 (VCV001031815.1), dbSNP rs1651481139, ClinGen allele CA2478345379.

ClinVar aggregate classification (germline): Uncertain significance (1 of 4 stars; one submission).

Conditions:
Myopia 21, autosomal dominant (MYP21). Identifiers: MedGen C3279997, MONDO:0013604, OMIM 614167.

Submission:

Baylor Genetics
Classification: Uncertain significance for Myopia 21, autosomal dominant. Last evaluated: 2018-04-05. Review status: criteria provided, single submitter. Criteria: ACMG Guidelines, 2015. Collection method: clinical testing. Allele origin: de novo. Affected: yes.
Comment: This variant was determined to be of uncertain significance according to ACMG Guidelines, 2015 [PMID:25741868].